The following is an entry in ClinVar:

ClinVar aggregate classification (germline): Uncertain significance (1 of 4 stars; one submission).

Conditions:
Pitt-Hopkins syndrome (PTHS). Also called: ENCEPHALOPATHY, SEVERE EPILEPTIC, WITH AUTONOMIC DYSFUNCTION; MENTAL RETARDATION, SYNDROMAL, WITH INTERMITTENT HYPERVENTILATION. Identifiers: Orphanet 2896, MedGen C1970431, MONDO:0012589, OMIM 610954.

gnomAD v4.1: 2 of 1,613,736 alleles (0.00012%); highest among the groups gnomAD compares: Non-Finnish European, 0.00017%; no homozygotes.

Submission:

Victorian Clinical Genetics Services, Murdoch Childrens Research Institute
Classification: Uncertain significance for Pitt-Hopkins syndrome. Last evaluated: 2020-10-19. Review status: criteria provided, single submitter. Criteria: ACMG Guidelines, 2015. Collection method: clinical testing. Allele origin: germline. Inheritance: Autosomal dominant inheritance. Affected: yes.
Comment: Based on the classification scheme VCGS_Germline_v0.6.1, this variant is classified as VUS - 3B. Following criteria are met: 0102 - Loss of function is a known mechanism of disease for this gene. (N) 0107 - This gene is known to be associated with autosomal dominant disease. (N) 0112 - Variants in this gene are known to have reduced penetrance (OMIM). (N) 0200 - Variant is predicted to result in a missense amino acid change from serine to leucine (exon 14). (N) 0301 - Variant is absent from gnomAD. (P) 0501 - Missense variant consistently predicted to be damaging by in silico tools or highly conserved with a major amino acid change. (P) 0604 - Variant is not located in an established domain, motif or hotspot. (N) 0705 - No comparable variants in relevant codon/region have previous evidence for pathogenicity. (N) 0807 - Variant has not previously been reported in a clinical context. (N) 0905 - No published segregation evidence has been identified for this variant. (N) 1007 - No published functional evidence has been identified for this variant. (N) Legend: (P) - Pathogenic, (N) - Neutral, (B) - Benign

NM_001083962.2(TCF4):c.1112C>T (p.Ser371Leu)

Gene: TCF4 (transcription factor 4; minus strand). Cytogenetic location: 18q21.2.
Variant type: single nucleotide variant.
Coding change: c.1112C>T on transcript NM_001083962.2 (MANE Select); coding-DNA position 1112, C replaced by T.
Protein change: p.Ser371Leu; replaces serine 371 with leucine.
Molecular consequence: missense variant.
Genome position (GRCh38, 1-based): chr18:55,257,349, G>A on the plus strand (C>T on the coding strand, the complement: TCF4 is on the minus strand). VCF-style: chr18-55257349-G-A. GRCh37 (hg19) VCF-style: chr18-52924580-G-A.
Other names: c.899C>T, p.Ser300Leu (NM_001306208.1, NM_001243232.1); c.1109C>T, p.Ser370Leu (NM_001330604.3, NM_001369573.1, NM_001369574.1 and 2 more transcripts); c.722C>T, p.Ser241Leu (NM_001330605.3, NM_001348212.2, NM_001348213.2 and 1 more transcripts); c.986C>T, p.Ser329Leu (NM_001348211.2, NM_001243231.2); c.629C>T, p.Ser210Leu (NM_001348214.2); c.464C>T, p.Ser155Leu (NM_001348215.2); c.632C>T, p.Ser211Leu (NM_001348216.2, NM_001243234.2, NM_001243235.2 and 1 more transcripts); c.1040C>T, p.Ser347Leu (NM_001348217.1, NM_001369575.1, NM_001369582.1 and 5 more transcripts); and 6 more; short protein forms S155L, S210L, S211L, S241L, S300L, S329L, S346L, S347L.
Identifiers: ClinVar variation 1805521 (VCV001805521.1), dbSNP rs1555770614, ClinGen allele CA402534279.
Genomic context (GRCh38, chr18:55,257,349, plus strand): 5'-GACAGAGATTAGCAAATGAGACATACCAAAGAGTGTAAGGGTCCTTCATAATTAGGAGAC[G>A]ATGAGGCCTGTCCTCCATTTCTAGACCAAACAGCTGTGCCTGCTGATATTAAAGTGGGAA-3'
Protein context (NP_001077431.1, residues 361-381): VWSRNGGQAS[Ser371Leu]SPNYEGPLHS